The following is an entry in ClinVar:

NM_004385.5(VCAN):c.1766C>T (p.Thr589Ile)

Gene: VCAN (versican; plus strand). Cytogenetic location: 5q14.3.
Variant type: single nucleotide variant.
Coding change: c.1766C>T on transcript NM_004385.5 (MANE Select); coding-DNA position 1766, C replaced by T.
Protein change: p.Thr589Ile; replaces threonine 589 with isoleucine.
Molecular consequence: missense variant. On other transcripts: intron variant (2).
Genome position (GRCh38, 1-based): chr5:83,520,072, C>T. VCF-style: chr5-83520072-C-T. GRCh37 (hg19) VCF-style: chr5-82815891-C-T.
Other names: c.1766C>T, p.Thr589Ile (NM_001164098.2); c.1042+7676C>T (NM_001164097.2, NM_001126336.3); short protein forms T589I.
Identifiers: ClinVar variation 3661726 (VCV003661726.2).

ClinVar aggregate classification (germline): Uncertain significance (1 of 4 stars; one submission).

gnomAD v4.1: 4 of 1,614,062 alleles (0.00025%); highest among the groups gnomAD compares: Non-Finnish European, 0.00034%; no homozygotes.

Submission:

Labcorp Genetics (formerly Invitae), Labcorp
Classification: Uncertain significance. Last evaluated: 2024-08-14. Review status: criteria provided, single submitter. Criteria: Invitae Variant Classification Sherloc (09022015). Collection method: clinical testing. Allele origin: germline.
Comment: This sequence change replaces threonine, which is neutral and polar, with isoleucine, which is neutral and non-polar, at codon 589 of the VCAN protein (p.Thr589Ile). This variant is not present in population databases (gnomAD no frequency). This variant has not been reported in the literature in individuals affected with VCAN-related conditions. An algorithm developed to predict the effect of missense changes on protein structure and function outputs the following: PolyPhen-2: "Benign". The isoleucine amino acid residue is found in multiple mammalian species, which suggests that this missense change does not adversely affect protein function. In summary, the available evidence is currently insufficient to determine the role of this variant in disease. Therefore, it has been classified as a Variant of Uncertain Significance.